The following is an entry in ClinVar:

ClinVar aggregate classification (germline): Conflicting classifications of pathogenicity. Review status: criteria provided, conflicting classifications (1 of 4 stars). 3 submissions from 3 submitters: Uncertain significance (2); Likely benign (1). Last evaluated 2025-09-27.

Conditions:
Neurodevelopmental disorder with or without early-onset generalized epilepsy. Identifiers: MedGen C5436914, MONDO:0030930, OMIM 619157.
Inborn genetic diseases. Identifiers: MedGen C0950123, MeSH D030342.

Allele frequency attached by ClinVar (database versions not stated): ExAC 0.00001; gnomAD 0.00001; TOPMed 0.00002; gnomAD exomes 0.00003.
gnomAD v4.1: 47 of 1,613,148 alleles (0.0029%); highest among the groups gnomAD compares: Middle Eastern, 0.15%; no homozygotes.

Submissions (3):

Ambry Genetics
Classification: Uncertain significance for Inborn genetic diseases. Last evaluated: 2025-09-27. Review status: criteria provided, single submitter. Criteria: Ambry Variant Classification Scheme 2023. Collection method: clinical testing. Allele origin: germline.

CeGaT Center for Human Genetics Tuebingen
Classification: Likely benign. Last evaluated: 2025-06-01. Review status: criteria provided, single submitter. Criteria: CeGaT Center For Human Genetics Tuebingen Variant Classification Criteria Version 2. Collection method: clinical testing. Allele origin: germline. Affected: yes. Observed: 2 variant alleles.
Comment: NBEA: BP4, BS2

Revvity Omics, Revvity
Classification: Uncertain significance for Neurodevelopmental disorder with or without early-onset generalized epilepsy. Last evaluated: 2021-12-21. Review status: criteria provided, single submitter. Criteria: ACMG Guidelines, 2015. Collection method: clinical testing. Allele origin: germline.

NM_001385012.1(NBEA):c.3341G>C (p.Ser1114Thr)

Gene: NBEA (neurobeachin; plus strand). Cytogenetic location: 13q13.3.
Variant type: single nucleotide variant.
Coding change: c.3341G>C on transcript NM_001385012.1 (MANE Select); coding-DNA position 3341, G replaced by C.
Protein change: p.Ser1114Thr; replaces serine 1114 with threonine.
Molecular consequence: missense variant.
Genome position (GRCh38, 1-based): chr13:35,159,512, G>C. VCF-style: chr13-35159512-G-C. GRCh37 (hg19) VCF-style: chr13-35733649-G-C.
Other names: c.3341G>C, p.Ser1114Thr (NM_001379245.1, NM_015678.5); short protein forms S1114T.
Identifiers: ClinVar variation 2434054 (VCV002434054.17), dbSNP rs547907440, ClinGen allele CA6946618.